The following is an entry in ClinVar:

ClinVar aggregate classification (germline): Uncertain significance. Review status: criteria provided, multiple submitters, no conflicts (2 of 4 stars). 2 submissions from 2 submitters: Uncertain significance (2). Last evaluated 2024-10-29.

Allele frequency attached by ClinVar (database versions not stated): gnomAD exomes below 0.00001 and 0.00001; ExAC 0.00002; TOPMed 0.00007; gnomAD 0.00008 and 0.00009.
gnomAD v4.1: 17 of 1,611,750 alleles (0.0011%); highest among the groups gnomAD compares: African/African-American, 0.021%; no homozygotes.

Submissions (2):

Ambry Genetics
Classification: Uncertain significance. Last evaluated: 2024-10-29. Review status: criteria provided, single submitter. Criteria: Ambry Variant Classification Scheme 2023. Collection method: clinical testing. Allele origin: germline.

Labcorp Genetics (formerly Invitae), Labcorp
Classification: Uncertain significance. Last evaluated: 2024-02-15. Review status: criteria provided, single submitter. Criteria: Invitae Variant Classification Sherloc (09022015). Collection method: clinical testing. Allele origin: germline.
Comment: This sequence change replaces glycine, which is neutral and non-polar, with valine, which is neutral and non-polar, at codon 39 of the ABRAXAS1 protein (p.Gly39Val). This variant is present in population databases (rs762424001, gnomAD 0.03%). This missense change has been observed in individual(s) with breast cancer (PMID: 27270457). ClinVar contains an entry for this variant (Variation ID: 666151). Advanced modeling of protein sequence and biophysical properties (such as structural, functional, and spatial information, amino acid conservation, physicochemical variation, residue mobility, and thermodynamic stability) performed at Invitae indicates that this missense variant is not expected to disrupt ABRAXAS1 protein function with a negative predictive value of 80%. Experimental studies have shown that this missense change affects ABRAXAS1 function (PMID: 27270457). In summary, the available evidence is currently insufficient to determine the role of this variant in disease. Therefore, it has been classified as a Variant of Uncertain Significance.

Literature cited by the submitters: PubMed 27270457 (cited by Labcorp Genetics (formerly Invitae), Labcorp).

NM_139076.3(ABRAXAS1):c.116G>T (p.Gly39Val)

Gene: ABRAXAS1 (abraxas 1, BRCA1 A complex subunit; minus strand). Cytogenetic location: 4q21.23.
Variant type: single nucleotide variant.
Coding change: c.116G>T on transcript NM_139076.3 (MANE Select); coding-DNA position 116, G replaced by T.
Protein change: p.Gly39Val; replaces glycine 39 with valine.
Molecular consequence: missense variant. On other transcripts: 5 prime UTR variant (1).
Genome position (GRCh38, 1-based): chr4:83,482,216, C>A on the plus strand (G>T on the coding strand, the complement: ABRAXAS1 is on the minus strand). VCF-style: chr4-83482216-C-A. GRCh37 (hg19) VCF-style: chr4-84403369-C-A.
Other names: c.-145G>T (NM_001345962.2); short protein forms G39V.
Identifiers: ClinVar variation 666151 (VCV000666151.9), dbSNP rs762424001, ClinGen allele CA2990643.